The following is an entry in ClinVar:

NM_000321.3(RB1):c.940-10_940-9del

Gene: RB1 (RB transcriptional corepressor 1; plus strand). Cytogenetic location: 13q14.2.
Variant type: Deletion.
Coding change: c.940-10_940-9del on transcript NM_000321.3 (MANE Select); 10 bases into the intron before coding-DNA position 940 through 9 bases into the intron before coding-DNA position 940, 2 bases deleted (TT; older notation c.940-10_940-9delTT).
Molecular consequence: intron variant.
Genome position (GRCh38, 1-based): chr13:48,367,484-48,367,485, TT deleted; deleting any 2 consecutive bases within chr13:48,367,480-48,367,485 gives the same sequence; the c. name uses the placement nearest the transcript's 3' end. VCF-style (leftmost placement, unchanged base first): chr13-48367479-CTT-C. GRCh37 (hg19) VCF-style: chr13-48941615-CTT-C.
Identifiers: ClinVar variation 1561688 (VCV001561688.9), dbSNP rs774207778, ClinGen allele CA6978890.
Genomic context (GRCh38, chr13:48,367,479, plus strand): 5'-GAAATCTGTGCCTCTGTGTGCTGAGAGATGTAATGACATGTAAAGGATAATTGTCAGTGA[CTT>C]TTTTCTTTCAAGGTTGAAAATCTTTCTAAACGATACGAAGAAATTTATCTTAAAAATAAA-3'

ClinVar aggregate classification (germline): Conflicting classifications of pathogenicity. Review status: criteria provided, conflicting classifications (1 of 4 stars). 2 submissions from 2 submitters: Uncertain significance (1); Likely benign (1). Last evaluated 2025-09-28.

Conditions:
Retinoblastoma (RB1). Also called: RETINOBLASTOMA, SOMATIC. Identifiers: Orphanet 790, MedGen C0035335, MeSH D012175, MONDO:0008380, OMIM 180200, HP:0009919. Disease mechanism: loss of function. Inheritance: Both sporadic and heritable forms are tested..

Submissions (2):

Labcorp Genetics (formerly Invitae), Labcorp
Classification: Likely benign for Retinoblastoma. Last evaluated: 2025-09-28. Review status: criteria provided, single submitter. Criteria: Invitae Variant Classification Sherloc (09022015). Collection method: clinical testing. Allele origin: germline.

All of Us Research Program, National Institutes of Health
Classification: Uncertain significance for Retinoblastoma. Last evaluated: 2023-04-03. Review status: criteria provided, single submitter. Criteria: ACMG Guidelines, 2015. Collection method: clinical testing. Allele origin: germline. Inheritance: Autosomal dominant inheritance. Observed: 1 variant allele, 1 heterozygote.
Comment: This variant deletes two basepairs at positions -9 and -10 in intron 9 of the RB1 gene. Splice site prediction tools suggest that this variant may have a significant impact on RNA splicing. However, this prediction has not been confirmed in published RNA studies. This variant has not been reported in individuals affected with hereditary cancer in the literature. This variant has been identified in 1/247854 chromosomes in the general population by the Genome Aggregation Database (gnomAD). The available evidence is insufficient to determine the role of this variant in disease conclusively. Therefore, this variant is classified as a Variant of Uncertain Significance.

This study involves interpretation of variants in research participants for the purpose of population health screening. Participant phenotype was not available at the time of variant classification. Additional details can be found in publication PMID: 35346344, PMCID: PMC8962531